The following is an entry in ClinVar:

NM_000138.5(FBN1):c.5540G>C (p.Cys1847Ser)

Gene: FBN1 (fibrillin 1; minus strand). Cytogenetic location: 15q21.1.
Variant type: single nucleotide variant.
Coding change: c.5540G>C on transcript NM_000138.5 (MANE Select); coding-DNA position 5540, G replaced by C.
Protein change: p.Cys1847Ser; replaces cysteine 1847 with serine.
Molecular consequence: missense variant.
Genome position (GRCh38, 1-based): chr15:48,452,567, C>G on the plus strand (G>C on the coding strand, the complement: FBN1 is on the minus strand). VCF-style: chr15-48452567-C-G. GRCh37 (hg19) VCF-style: chr15-48744764-C-G.
Other names: short protein forms C1847S.
Identifiers: ClinVar variation 694262 (VCV000694262.1), dbSNP rs1555396185, ClinGen allele CA392343876.

ClinVar aggregate classification (germline): Likely pathogenic (1 of 4 stars; one submission).

Conditions:
Marfan Syndrome/Loeys-Dietz Syndrome/Familial Thoracic Aortic Aneurysms and Dissections. Identifiers: MedGen CN229799.

Submission:

Women's Health and Genetics/Laboratory Corporation of America, LabCorp
Classification: Likely pathogenic for Marfan Syndrome/Loeys-Dietz Syndrome/Familial Thoracic Aortic Aneurysms and Dissections. Last evaluated: 2019-10-08. Review status: criteria provided, single submitter. Criteria: LabCorp Variant Classification Summary - May 2015. Collection method: clinical testing. Allele origin: germline. Inheritance: Autosomal dominant inheritance.
Comment: FBN1 c.5540G>C (p.Cys1847Ser) results in a non-conservative amino acid change located in the EGF-like domain (IPR000742) and EGF-like calcium-binding domain (IPR001881) of the encoded protein sequence. Five of five in-silico tools predict a damaging effect of the variant on protein function. The variant was absent in 251258 control chromosomes (gnomAD). To our knowledge, no occurrence of c.5540G>C in individuals affected with Marfan Syndrome and no experimental evidence demonstrating its impact on protein function have been reported in the literature. Other missense changes at this residue p.Cys1847Tyr (c.5540G>A) (our laboratory, clinical data unavailable), p.Cys1847Arg (c.5539T>C) (PMID 16835936), p.Cys1847Trp (c.5541C>G) (PMID 17657824 and the UMD database) and p.Cys1847Phe (c.5540G>T) (PMID 27611364) have been reported in patients undergoing testing for Marfan syndrome or with features of Marfan syndrome suggesting that the residue could be a mutational hotspot. Missense mutations affecting or creating cysteine residues located within the conserved resides of the EGF consensus sequence are listed among the criteria for a causal FBN1 mutation when identified as de-novo (with proven paternity) in the revised Ghent criteria for the diagnosis of Marfan and related conditions (Loeys, BL et al, 2010). No submitters have provided clinical-significance assessments for this variant to ClinVar after 2014. Based on the evidence outlined above, the variant was classified as likely pathogenic.